The following is an entry in ClinVar:

NM_000252.3(MTM1):c.989C>T (p.Pro330Leu)

Gene: MTM1 (myotubularin 1; plus strand). Cytogenetic location: Xq28.
Variant type: single nucleotide variant.
Coding change: c.989C>T on transcript NM_000252.3 (MANE Select); coding-DNA position 989, C replaced by T.
Protein change: p.Pro330Leu; replaces proline 330 with leucine.
Molecular consequence: missense variant.
Genome position (GRCh38, 1-based): chrX:150,649,837, C>T. VCF-style: chrX-150649837-C-T. GRCh37 (hg19) VCF-style: chrX-149818310-C-T.
Other names: c.989C>T, p.Pro330Leu (NM_001376906.1, NM_001376908.1); c.878C>T, p.Pro293Leu (NM_001376907.1); short protein forms P293L, P330L.
Identifiers: ClinVar variation 1466064 (VCV001466064.6), dbSNP rs2148497898, ClinGen allele CA415257168.

ClinVar aggregate classification (germline): Uncertain significance (1 of 4 stars; one submission).

Conditions:
Severe X-linked myotubular myopathy (CNMX). Also called: Myotubular myopathy, X-linked; X-linked centronuclear myopathy; MYOTUBULAR MYOPATHY 1. Identifiers: Orphanet 596, MedGen C0410203, MONDO:0010683, OMIM 310400.

Submission:

Labcorp Genetics (formerly Invitae), Labcorp
Classification: Uncertain significance for Severe X-linked myotubular myopathy. Last evaluated: 2021-11-04. Review status: criteria provided, single submitter. Criteria: Invitae Variant Classification Sherloc (09022015). Collection method: clinical testing. Allele origin: germline.
Comment: This variant is not present in population databases (gnomAD no frequency). This sequence change replaces proline, which is neutral and non-polar, with leucine, which is neutral and non-polar, at codon 330 of the MTM1 protein (p.Pro330Leu). This variant has not been reported in the literature in individuals affected with MTM1-related conditions. Algorithms developed to predict the effect of missense changes on protein structure and function are either unavailable or do not agree on the potential impact of this missense change (SIFT: "Deleterious"; PolyPhen-2: "Probably Damaging"; Align-GVGD: "Class C0"). In summary, the available evidence is currently insufficient to determine the role of this variant in disease. Therefore, it has been classified as a Variant of Uncertain Significance.